The following is an entry in ClinVar:

NM_001379200.1(TBX1):c.68C>A (p.Thr23Lys)

Gene: TBX1 (T-box transcription factor 1; plus strand). Cytogenetic location: 22q11.21.
Variant type: single nucleotide variant.
Coding change: c.68C>A on transcript NM_001379200.1 (MANE Select); coding-DNA position 68, C replaced by A.
Protein change: p.Thr23Lys; replaces threonine 23 with lysine.
Molecular consequence: missense variant.
Genome position (GRCh38, 1-based): chr22:19,760,911, C>A. VCF-style: chr22-19760911-C-A. GRCh37 (hg19) VCF-style: chr22-19748434-C-A.
Other names: c.41C>A, p.Thr14Lys (NM_005992.1, NM_080646.2, NM_080647.1); short protein forms T14K, T23K.
Identifiers: ClinVar variation 2180357 (VCV002180357.5), dbSNP rs1238011096, ClinGen allele CA410681083.

ClinVar aggregate classification (germline): Uncertain significance. Review status: criteria provided, multiple submitters, no conflicts (2 of 4 stars). 2 submissions from 2 submitters: Uncertain significance (2). Last evaluated 2023-07-14.

Conditions:
DiGeorge syndrome. Also called: THIRD AND FOURTH PHARYNGEAL POUCH SYNDROME; Catch22. Identifiers: Orphanet 567, MedGen C0012236, MONDO:0008564, OMIM 188400.

Allele frequency attached by ClinVar (database versions not stated): gnomAD 0.00001; 1000 Genomes Project 30x 0.00031.
gnomAD v4.1: 2 of 1,058,158 alleles (0.00019%); highest among the groups gnomAD compares: East Asian, 0.021%; no homozygotes.

Submissions (2):

GeneDx
Classification: Uncertain significance. Last evaluated: 2023-07-14. Review status: criteria provided, single submitter. Criteria: GeneDx Variant Classification Process June 2021. Collection method: clinical testing. Allele origin: germline. Affected: yes.
Comment: Not observed at significant frequency in large population cohorts (gnomAD); In silico analysis supports that this missense variant does not alter protein structure/function; Has not been previously published as pathogenic or benign to our knowledge

Labcorp Genetics (formerly Invitae), Labcorp
Classification: Uncertain significance for DiGeorge syndrome. Last evaluated: 2022-04-26. Review status: criteria provided, single submitter. Criteria: Invitae Variant Classification Sherloc (09022015). Collection method: clinical testing. Allele origin: germline.
Comment: In summary, the available evidence is currently insufficient to determine the role of this variant in disease. Therefore, it has been classified as a Variant of Uncertain Significance. Algorithms developed to predict the effect of missense changes on protein structure and function are either unavailable or do not agree on the potential impact of this missense change (SIFT: "Tolerated"; PolyPhen-2: "Not Available"; Align-GVGD: "Class C0"). This variant has not been reported in the literature in individuals affected with TBX1-related conditions. This variant is not present in population databases (gnomAD no frequency). This sequence change replaces threonine, which is neutral and polar, with lysine, which is basic and polar, at codon 14 of the TBX1 protein (p.Thr14Lys).